The following is an entry in ClinVar:

NM_020750.3(XPO5):c.1692C>G (p.Thr564=)

Genes: POLR1C (RNA polymerase I and III subunit C; plus strand), XPO5 (exportin 5; minus strand). Cytogenetic location: 6p21.1.
Variant type: single nucleotide variant.
Coding change: c.1692C>G on transcript NM_020750.3 (MANE Select); coding-DNA position 1692, C replaced by G.
Protein change: p.Thr564=; no amino-acid change (threonine 564 retained).
Molecular consequence: synonymous variant. On other transcripts: non-coding transcript variant (1), intron variant (1).
Genome position (GRCh38, 1-based): chr6:43,551,334, G>C on the plus strand (C>G on the coding strand, the complement: XPO5 is on the minus strand). VCF-style: chr6-43551334-G-C. GRCh37 (hg19) VCF-style: chr6-43519071-G-C.
Other names: c.*42+323G>C (NM_001363658.2).
Identifiers: ClinVar variation 1456979 (VCV001456979.22), dbSNP rs373347390, ClinGen allele CA3826343.

ClinVar aggregate classification (germline): Likely benign. Review status: criteria provided, multiple submitters, no conflicts (2 of 4 stars). 3 submissions from 3 submitters: Likely benign (3). Last evaluated 2026-01-12.

Allele frequency attached by ClinVar (database versions not stated): gnomAD exomes 0.00010; gnomAD 0.00009 and 0.00010; TOPMed 0.00006; ESP Exome Variant Server 0.00025; ExAC 0.00010.
gnomAD v4.1: 167 of 1,613,762 alleles (0.01%); highest among the groups gnomAD compares: Middle Eastern, 0.016%; no homozygotes.

Submissions (3):

Labcorp Genetics (formerly Invitae), Labcorp
Classification: Likely benign. Last evaluated: 2026-01-12. Review status: criteria provided, single submitter. Criteria: Invitae Variant Classification Sherloc (09022015). Collection method: clinical testing. Allele origin: germline.

CeGaT Center for Human Genetics Tuebingen
Classification: Likely benign. Last evaluated: 2024-12-01. Review status: criteria provided, single submitter. Criteria: CeGaT Center For Human Genetics Tuebingen Variant Classification Criteria Version 2. Collection method: clinical testing. Allele origin: germline. Affected: yes. Observed: 1 variant allele.
Comment: XPO5: BP4, BP7

Blueprint Genetics
Classification: Likely benign. Last evaluated: 2024-09-10. Review status: criteria provided, single submitter. Criteria: ACMG Guidelines, 2015. Collection method: clinical testing. Allele origin: germline.